The following is an entry in ClinVar:

ClinVar aggregate classification (germline): Conflicting classifications of pathogenicity. Review status: criteria provided, conflicting classifications (1 of 4 stars). 2 submissions from 2 submitters: Uncertain significance (1); Likely benign (1). Last evaluated 2024-11-20.

Conditions:
Mucopolysaccharidosis, MPS-IV-A (MPS4A). Also called: GALACTOSAMINE-6-SULFATASE DEFICIENCY; GALNS DEFICIENCY; Mucopolysaccharidosis type IV A; Morquio syndrome A, mild; MORQUIO SYNDROME A; mucopolysaccharidosis type 4A. Identifiers: Orphanet 309297, Orphanet 582, MedGen C0086651, MONDO:0009659, OMIM 253000.

Allele frequency attached by ClinVar (database versions not stated): gnomAD exomes below 0.00001.

Submissions (2):

Blueprint Genetics
Classification: Likely benign. Last evaluated: 2024-11-20. Review status: criteria provided, single submitter. Criteria: ACMG Guidelines, 2015. Collection method: clinical testing. Allele origin: germline.

Labcorp Genetics (formerly Invitae), Labcorp
Classification: Uncertain significance for Mucopolysaccharidosis, MPS-IV-A. Last evaluated: 2022-07-16. Review status: criteria provided, single submitter. Criteria: Invitae Variant Classification Sherloc (09022015). Collection method: clinical testing. Allele origin: germline.
Comment: This sequence change replaces alanine, which is neutral and non-polar, with serine, which is neutral and polar, at codon 351 of the GALNS protein (p.Ala351Ser). This variant is not present in population databases (gnomAD no frequency). This variant has not been reported in the literature in individuals affected with GALNS-related conditions. Advanced modeling of protein sequence and biophysical properties (such as structural, functional, and spatial information, amino acid conservation, physicochemical variation, residue mobility, and thermodynamic stability) performed at Invitae indicates that this missense variant is not expected to disrupt GALNS protein function. In summary, the available evidence is currently insufficient to determine the role of this variant in disease. Therefore, it has been classified as a Variant of Uncertain Significance.

NM_000512.5(GALNS):c.1051G>T (p.Ala351Ser)

Gene: GALNS (galactosamine (N-acetyl)-6-sulfatase; minus strand). Cytogenetic location: 16q24.3.
Variant type: single nucleotide variant.
Coding change: c.1051G>T on transcript NM_000512.5 (MANE Select); coding-DNA position 1051, G replaced by T.
Protein change: p.Ala351Ser; replaces alanine 351 with serine.
Molecular consequence: missense variant.
Genome position (GRCh38, 1-based): chr16:88,826,790, C>A on the plus strand (G>T on the coding strand, the complement: GALNS is on the minus strand). VCF-style: chr16-88826790-C-A. GRCh37 (hg19) VCF-style: chr16-88893198-C-A.
Other names: c.496G>T, p.Ala166Ser (NM_001323543.2); c.1069G>T, p.Ala357Ser (NM_001323544.2); short protein forms A166S, A351S, A357S.
Identifiers: ClinVar variation 2193422 (VCV002193422.2), dbSNP rs1303580474, ClinGen allele CA397098473.